The following is an entry in ClinVar:

ClinVar aggregate classification (germline): other (0 of 4 stars; one submission).

Conditions:
Familial colorectal cancer. Identifiers: MedGen CN280943, MONDO:0023113. Disease mechanism: loss of function.

Submission:

Systems Biology Platform Zhejiang California International NanoSystems Institute
Classification: other for Familial colorectal cancer. Review status: no assertion criteria provided. Collection method: not provided. Allele origin: unknown.
ClinVar note: Converted during submission from cancer to other.

NM_000038.6(APC):c.835-3533T>A

Gene: APC (APC regulator of WNT signaling pathway; plus strand). Cytogenetic location: 5q22.2.
Variant type: single nucleotide variant.
Coding change: c.835-3533T>A on transcript NM_000038.6 (MANE Select); 3533 bases into the intron before coding-DNA position 835, T replaced by A.
Molecular consequence: intron variant.
Genome position (GRCh38, 1-based): chr5:112,811,962, T>A. VCF-style: chr5-112811962-T-A. GRCh37 (hg19) VCF-style: chr5-112147659-T-A.
Other names: c.835-3533T>A (NM_001354895.2, NM_001127510.3, NM_001354896.2 and 1 more transcripts); c.865-3533T>A (NM_001354897.2, NM_001354902.2); c.781-3533T>A (NM_001127511.3); c.760-3533T>A (NM_001354898.2, NM_001354904.2); c.-16+1651T>A (NM_001354906.2); c.751-3533T>A (NM_001354899.2); c.658-3533T>A (NM_001354900.2, NM_001354901.2, NM_001354905.2).
Identifiers: ClinVar variation 82546 (VCV000082546.2), dbSNP rs77203577, ClinGen allele CA015165.